The following is an entry in ClinVar:

ClinVar aggregate classification (germline): Uncertain significance (1 of 4 stars; one submission).

Submission:

Ambry Genetics
Classification: Uncertain significance. Last evaluated: 2024-05-02. Review status: criteria provided, single submitter. Criteria: Ambry Variant Classification Scheme 2023. Collection method: clinical testing. Allele origin: germline.
Comment: The p.D179E variant (also known as c.537T>A), located in coding exon 3 of the TMPO gene, results from a T to A substitution at nucleotide position 537. The aspartic acid at codon 179 is replaced by glutamic acid, an amino acid with highly similar properties. This amino acid position is conserved. In addition, the in silico prediction for this alteration is inconclusive. Based on the available evidence, the clinical significance of this variant remains unclear.

NM_001032283.3(TMPO):c.537T>A (p.Asp179Glu)

Gene: TMPO (thymopoietin; plus strand). Cytogenetic location: 12q23.1.
Variant type: single nucleotide variant.
Coding change: c.537T>A on transcript NM_001032283.3 (MANE Select); coding-DNA position 537, T replaced by A.
Protein change: p.Asp179Glu; replaces aspartic acid 179 with glutamic acid.
Molecular consequence: missense variant.
Genome position (GRCh38, 1-based): chr12:98,531,810, T>A. VCF-style: chr12-98531810-T-A. GRCh37 (hg19) VCF-style: chr12-98925588-T-A.
Other names: c.537T>A, p.Asp179Glu (NM_001032284.3, NM_001307975.2, NM_003276.2); short protein forms D179E.
Identifiers: ClinVar variation 3327282 (VCV003327282.1).
Genomic context (GRCh38, chr12:98,531,810, plus strand): 5'-TACTCCTCTGCCAACAATTTCTTCTTCAGCAGAAAATACAAGGCAGAATGGAAGTAATGA[T>A]TCTGACAGATACAGTGACAATGAAGAAGGTAAAATTTTAAATGATGTTAATCAAATGTAT-3'
Protein context (NP_001027454.1, residues 169-189): AENTRQNGSN[Asp179Glu]SDRYSDNEED